The following is an entry in ClinVar:

NM_014233.4(UBTF):c.1878C>A (p.Tyr626Ter)

Genes: ATXN7L3-AS1 (ATXN7L3 antisense RNA 1; plus strand), UBTF (upstream binding transcription factor; minus strand). Cytogenetic location: 17q21.31.
Variant type: single nucleotide variant.
Coding change: c.1878C>A on transcript NM_014233.4 (MANE Select); coding-DNA position 1878, C replaced by A.
Protein change: p.Tyr626Ter; replaces tyrosine 626 with a stop codon.
Molecular consequence: nonsense. On other transcripts: non-coding transcript variant (1).
Genome position (GRCh38, 1-based): chr17:44,209,379, G>T on the plus strand (C>A on the coding strand, the complement: UBTF is on the minus strand). VCF-style: chr17-44209379-G-T. GRCh37 (hg19) VCF-style: chr17-42286747-G-T.
Other names: UBTF; c.1767C>A, p.Tyr589Ter (NM_001076683.2, NM_001076684.3); short protein forms Y589*, Y626*.
Identifiers: ClinVar variation 3573464 (VCV003573464.2).

ClinVar aggregate classification (germline): Likely pathogenic (0 of 4 stars; one submission).

Conditions:
Childhood-onset motor and cognitive regression syndrome with extrapyramidal movement disorder. Also called: NEURODEGENERATION, CHILDHOOD-ONSET, WITH BRAIN ATROPHY. Identifiers: Orphanet 500180, MedGen C4540086, MONDO:0044701, OMIM 617672.

Submission:

Service Génétique, CHU REIMS
Classification: Likely pathogenic for Childhood-onset motor and cognitive regression syndrome with extrapyramidal movement disorder. Last evaluated: 2025-01-14. Review status: no assertion criteria provided. Collection method: clinical testing. Allele origin: de novo. Inheritance: Autosomal dominant inheritance. Affected: yes. Observed: 1 heterozygote.
Comment: The p.(Tyr626Ter) variant in the UBTF gene is not observed in large population cohorts (gnomAD v4.1.0) and has not been reported previously as a pathogenic variant nor as a benign variant, to our knowledge. This variant is predicted to cause loss of normal protein function either through protein truncation or nonsense-mediated mRNA decay. Though major known mechanism of pathogenicity in the UBTF gene is gain-of-function (mainly due to the p(Glu210Lys) variant) associated with CONDBA (MIM# 617672), Wang et al recently described UBTF haploinsufficiency associated with UBTF-related global developmental delay without neuroregression (PMID: 39366741). We interpret NM_014233.4(UBTF):c.1878C>A p.(Tyr626Ter) as likely pathogenic (PM2_moderate; PVS1_strong; PS2_moderate).

Literature cited by the submitters: PubMed 39366741.